The following is an entry in ClinVar:

ClinVar aggregate classification (germline): Likely benign (1 of 4 stars; one submission).

Submission:

CeGaT Center for Human Genetics Tuebingen
Classification: Likely benign. Last evaluated: 2025-07-01. Review status: criteria provided, single submitter. Criteria: CeGaT Center For Human Genetics Tuebingen Variant Classification Criteria Version 2. Collection method: clinical testing. Allele origin: germline. Affected: yes. Observed: 1 variant allele.
Comment: SMARCA1: PM2:Supporting, BP4, BP7

NM_001282874.2(SMARCA1):c.306A>T (p.Thr102=)

Gene: SMARCA1 (SNF2 related chromatin remodeling ATPase 1; minus strand). Cytogenetic location: Xq26.1.
Variant type: single nucleotide variant.
Coding change: c.306A>T on transcript NM_001282874.2 (MANE Select); coding-DNA position 306, A replaced by T.
Protein change: p.Thr102=; no amino-acid change (threonine 102 retained).
Molecular consequence: synonymous variant.
Genome position (GRCh38, 1-based): chrX:129,516,453, T>A on the plus strand (A>T on the coding strand, the complement: SMARCA1 is on the minus strand). VCF-style: chrX-129516453-T-A. GRCh37 (hg19) VCF-style: chrX-128650430-T-A.
Other names: c.306A>T, p.Thr102= (NM_001378264.1, NM_003069.5, NM_001282875.2 and 3 more transcripts).
Identifiers: ClinVar variation 4084569 (VCV004084569.8).